The following is an entry in ClinVar:

ClinVar aggregate classification (germline): Conflicting classifications of pathogenicity. Review status: criteria provided, conflicting classifications (1 of 4 stars). 11 submissions from 11 submitters: Uncertain significance (9); Likely benign (2). Last evaluated 2026-07-08.

Conditions:
SMARCA4-related disorder. Also called: SMARCA4-related condition.
Rhabdoid tumor predisposition syndrome 2 (RTPS2). Identifiers: Orphanet 231108, Orphanet 69077, MedGen C2750074, MONDO:0013224, OMIM 613325.
Intellectual disability, autosomal dominant 16 (CSS4). Also called: COFFIN-SIRIS SYNDROME 4. Identifiers: Orphanet 1465, MedGen C3553249, MONDO:0013821, OMIM 614609.
Otosclerosis 12. Identifiers: MedGen C5935610, MONDO:0968980, OMIM 620792.
Hereditary cancer-predisposing syndrome. Also called: Hereditary Cancer Syndrome; Hereditary neoplastic syndrome; Neoplastic Syndromes, Hereditary; Tumor predisposition. Identifiers: Orphanet 140162, MedGen C0027672, MeSH D009386, MONDO:0015356.

Allele frequency attached by ClinVar (database versions not stated): gnomAD exomes 0.00003 and 0.00001; gnomAD 0.00001; TOPMed 0.00001.
gnomAD v4.1: 47 of 1,612,162 alleles (0.0029%); highest among the groups gnomAD compares: Non-Finnish European, 0.0039%; no homozygotes.

Submissions (11):

Myriad Genetics, Inc.
Classification: Likely benign for Rhabdoid tumor predisposition syndrome 2. Last evaluated: 2026-07-08. Review status: criteria provided, single submitter. Criteria: Myriad Autosomal Dominant, Autosomal Recessive and X-Linked Classification Criteria (2023). Collection method: clinical testing. Allele origin: unknown.
Comment: This variant is considered likely benign. This variant has been observed at a population frequency that is significantly greater than expected given the associated disease prevalence and penetrance.

Labcorp Genetics (formerly Invitae), Labcorp
Classification: Uncertain significance for Rhabdoid tumor predisposition syndrome 2. Last evaluated: 2026-01-18. Review status: criteria provided, single submitter. Criteria: Invitae Variant Classification Sherloc (09022015). Collection method: clinical testing. Allele origin: germline.
Comment: This sequence change replaces threonine, which is neutral and polar, with serine, which is neutral and polar, at codon 1457 of the SMARCA4 protein (p.Thr1457Ser). This variant is present in population databases (no rsID available, gnomAD 0.002%). This variant has not been reported in the literature in individuals affected with SMARCA4-related conditions. ClinVar contains an entry for this variant (Variation ID: 408648). An algorithm developed to predict the effect of missense changes on protein structure and function (PolyPhen-2) suggests that this variant is likely to be tolerated. In summary, the available evidence is currently insufficient to determine the role of this variant in disease. Therefore, it has been classified as a Variant of Uncertain Significance.

St. Jude Molecular Pathology, St. Jude Children's Research Hospital
Classification: Uncertain significance for Rhabdoid tumor predisposition syndrome 2. Last evaluated: 2024-08-24. Review status: criteria provided, single submitter. Criteria: St. Jude Assertion Criteria 2020. Collection method: clinical testing. Allele origin: germline.
Comment: The SMARCA4 c.4369A>T (p.Thr1457Ser) missense change has a maximum subpopulation frequency of 0.0018% in gnomAD v2.1.1. The in silico tool REVEL predicts a benign effect on protein function, but to our knowledge this prediction has not been confirmed by functional studies. To our knowledge, this variant has not been reported in individuals with rhabdoid tumor predisposition syndrome. In summary, the evidence currently available is insufficient to determine the clinical significance of this variant. It has therefore been classified as of uncertain significance.

GeneDx
Classification: Uncertain significance. Last evaluated: 2024-07-19. Review status: criteria provided, single submitter. Criteria: GeneDx Variant Classification Process June 2021. Collection method: clinical testing. Allele origin: germline. Affected: yes.
Comment: In silico analysis indicates that this missense variant does not alter protein structure/function; Has not been previously published as pathogenic or benign to our knowledge

Quest Diagnostics Nichols Institute San Juan Capistrano
Classification: Uncertain significance. Last evaluated: 2024-05-09. Review status: criteria provided, single submitter. Criteria: Quest Diagnostics criteria. Collection method: clinical testing. Allele origin: unknown.
Comment: The SMARCA4 c.4369A>T (p.Thr1457Ser) variant has not been reported in individuals with SMARCA4-related conditions in the published literature. The frequency of this variant in the general population, 0.0000081 (2/246396 chromosomes (Genome Aggregation Database)), is uninformative in the assessment of its pathogenicity. Analysis of this variant using bioinformatics tools for the prediction of the effect of amino acid changes on protein structure and function yielded conflicting predictions that this variant is benign or damaging. Based on the available information, we are unable to determine the clinical significance of this variant.

Fulgent Genetics
Classification: Uncertain significance for Rhabdoid tumor predisposition syndrome 2; Intellectual disability, autosomal dominant 16; Otosclerosis 12. Last evaluated: 2024-01-18. Review status: criteria provided, single submitter. Criteria: ACMG Guidelines, 2015. Collection method: clinical testing. Allele origin: germline.

Baylor Genetics
Classification: Uncertain significance for Rhabdoid tumor predisposition syndrome 2. Last evaluated: 2023-09-19. Review status: criteria provided, single submitter. Criteria: ACMG Guidelines, 2015. Collection method: clinical testing. Allele origin: unknown.

PreventionGenetics, part of Exact Sciences
Classification: Uncertain significance for SMARCA4-related condition. Last evaluated: 2022-11-25. Review status: criteria provided, single submitter. Criteria: ACMG Guidelines, 2015. Collection method: clinical testing. Allele origin: germline.
Comment: The SMARCA4 c.4369A>T variant is predicted to result in the amino acid substitution p.Thr1457Ser. To our knowledge, this variant has not been reported in the literature. This variant is reported in 0.0018% of alleles in individuals of European (Non-Finnish) descent in gnomAD and is interpreted as uncertain significance in ClinVar. At this time, the clinical significance of this variant is uncertain due to the absence of conclusive functional and genetic evidence.

Ambry Genetics
Classification: Likely benign for Hereditary cancer-predisposing syndrome. Last evaluated: 2022-10-11. Review status: criteria provided, single submitter. Criteria: Ambry Variant Classification Scheme 2023. Collection method: clinical testing. Allele origin: germline.

Sema4
Classification: Uncertain significance for Hereditary cancer-predisposing syndrome. Last evaluated: 2021-12-09. Review status: criteria provided, single submitter. Criteria: Sema4 Curation Guidelines. Collection method: curation. Allele origin: germline.
Comment: The SMARCA4 c.4369A>T (p.T1457S) variant has not been reported in the literature to our knowledge. It was observed in 2/111602 chromosomes of the Non-Finnish European subpopulation in the large and broad cohorts of the Genome Aggregation Database (PMID: 32461654). This variant has been reported in ClinVar (Variation ID 408648). Functional studies have not been performed, and in silico predictions of the variant's effect on protein function are inconclusive. The evidence is insufficient to meet ACMG/AMP criteria for classifying the variant as benign or pathogenic. Thus, the clinical significance of this variant is currently uncertain.

Genome-Nilou Lab
Classification: Uncertain significance for Intellectual disability, autosomal dominant 16. Last evaluated: 2021-07-15. Review status: criteria provided, single submitter. Criteria: ACMG Guidelines, 2015. Collection method: clinical testing. Allele origin: germline. Affected: no.

Literature cited by the submitters: PubMed 31819260 (cited by Quest Diagnostics Nichols Institute San Juan Capistrano).

NM_003072.5(SMARCA4):c.4273A>T (p.Thr1425Ser)

Gene: SMARCA4 (SWI/SNF related BAF chromatin remodeling complex subunit ATPase 4; plus strand). Cytogenetic location: 19p13.2.
Variant type: single nucleotide variant.
Coding change: c.4273A>T on transcript NM_003072.5 (MANE Select); coding-DNA position 4273, A replaced by T.
Protein change: p.Thr1425Ser; replaces threonine 1425 with serine.
Molecular consequence: missense variant. On other transcripts: non-coding transcript variant (1).
Genome position (GRCh38, 1-based): chr19:11,041,409, A>T. VCF-style: chr19-11041409-A-T. GRCh37 (hg19) VCF-style: chr19-11152085-A-T.
Other names: c.4369A>T (NM_001128849.2); c.4273A>T, p.Thr1425Ser (NM_001128844.3); c.4183A>T, p.Thr1395Ser (NM_001128845.2, NM_001128846.2); c.4174A>T, p.Thr1392Ser (NM_001128847.4, NM_001128848.2, NM_001374457.1); c.4369A>T, p.Thr1457Ser (NM_001128849.3, NM_001387283.1); short protein forms T1457S, T1395S, T1425S, T1392S.
Identifiers: ClinVar variation 408648 (VCV000408648.23), dbSNP rs1060502082, ClinGen allele CA16616183.